The following is an entry in ClinVar:

NM_001793.6(CDH3):c.2227A>G (p.Met743Val)

Gene: CDH3 (cadherin 3; plus strand). Cytogenetic location: 16q22.1.
Variant type: single nucleotide variant.
Coding change: c.2227A>G on transcript NM_001793.6 (MANE Select); coding-DNA position 2227, A replaced by G.
Protein change: p.Met743Val; replaces methionine 743 with valine.
Molecular consequence: missense variant.
Genome position (GRCh38, 1-based): chr16:68,695,870, A>G. VCF-style: chr16-68695870-A-G. GRCh37 (hg19) VCF-style: chr16-68729773-A-G.
Other names: c.2227A>G, p.Met743Val (NM_001317195.3); c.2062A>G, p.Met688Val (NM_001317196.2); short protein forms M743V, M688V.
Identifiers: ClinVar variation 885775 (VCV000885775.12), dbSNP rs367654075, ClinGen allele CA8129624.

ClinVar aggregate classification (germline): Uncertain significance. Review status: criteria provided, multiple submitters, no conflicts (2 of 4 stars). 3 submissions from 3 submitters: Uncertain significance (3). Last evaluated 2025-08-10.

Conditions:
Inborn genetic diseases. Identifiers: MedGen C0950123, MeSH D030342.
EEM syndrome (EEMS). Identifiers: Orphanet 1897, MedGen C1857041, MONDO:0009155, OMIM 225280.

Allele frequency attached by ClinVar (database versions not stated): gnomAD exomes 0.00001 and 0.00002; ExAC 0.00002; TOPMed 0.00003; gnomAD 0.00005; ESP Exome Variant Server 0.00008.
gnomAD v4.1: 16 of 1,614,038 alleles (0.00099%); highest among the groups gnomAD compares: African/African-American, 0.0067%; no homozygotes.

Submissions (3):

Ambry Genetics
Classification: Uncertain significance for Inborn genetic diseases. Last evaluated: 2025-08-10. Review status: criteria provided, single submitter. Criteria: Ambry Variant Classification Scheme 2023. Collection method: clinical testing. Allele origin: germline.

Labcorp Genetics (formerly Invitae), Labcorp
Classification: Uncertain significance. Last evaluated: 2023-11-06. Review status: criteria provided, single submitter. Criteria: Invitae Variant Classification Sherloc (09022015). Collection method: clinical testing. Allele origin: germline.
Comment: This sequence change replaces methionine, which is neutral and non-polar, with valine, which is neutral and non-polar, at codon 743 of the CDH3 protein (p.Met743Val). This variant is present in population databases (rs367654075, gnomAD 0.02%). This variant has not been reported in the literature in individuals affected with CDH3-related conditions. ClinVar contains an entry for this variant (Variation ID: 885775). Advanced modeling of protein sequence and biophysical properties (such as structural, functional, and spatial information, amino acid conservation, physicochemical variation, residue mobility, and thermodynamic stability) performed at Invitae indicates that this missense variant is not expected to disrupt CDH3 protein function with a negative predictive value of 80%. In summary, the available evidence is currently insufficient to determine the role of this variant in disease. Therefore, it has been classified as a Variant of Uncertain Significance.

Illumina Laboratory Services, Illumina
Classification: Uncertain significance for EEM syndrome. Last evaluated: 2018-01-13. Review status: criteria provided, single submitter. Criteria: ICSL Variant Classification Criteria 13 December 2019. Collection method: clinical testing. Allele origin: germline.